The following is an entry in ClinVar:

ClinVar aggregate classification (germline): Pathogenic. Review status: criteria provided, multiple submitters, no conflicts (2 of 4 stars). 3 submissions from 3 submitters: Pathogenic (3). Last evaluated 2026-06-29.

Conditions:
KAT6B-related disorder. Also called: KAT6B-related disorders; KAT6B-related condition.
Blepharophimosis - intellectual disability syndrome, SBBYS type (SBBYSS). Also called: Young Simpson syndrome; Mental retardation unusual facies hypothyroidism; Say-Barber-Biesecker-Young-Simpson variant of Ohdo Syndrome; Say-Barber-Biesecker Variant of Ohdo Syndrome; Say-Barber-Biesecker variant of Ohdo syndrome (SBBYSS); Say-Barber-Biesecker-Young-Simpson syndrome. Identifiers: Orphanet 3047, MedGen C1863557, MONDO:0011365, OMIM 603736.

Submissions (3):

Laboratory of Medical Genetics, University of Torino
Classification: Pathogenic for Blepharophimosis - intellectual disability syndrome, SBBYS type. Last evaluated: 2026-06-29. Review status: criteria provided, single submitter. Criteria: ACMG Guidelines, 2015. Collection method: clinical testing. Allele origin: de novo. Affected: yes.

Greenwood Genetic Center Diagnostic Laboratories, Greenwood Genetic Center
Classification: Pathogenic for KAT6B-related disorder. Last evaluated: 2024-04-09. Review status: criteria provided, single submitter. Criteria: ACMG Guidelines, 2015. Collection method: clinical testing. Allele origin: germline. Affected: yes.
Comment: PVS1, PS2, PS4_Supporting, PM2

Daryl Scott Lab, Baylor College of Medicine
Classification: Pathogenic for Blepharophimosis - intellectual disability syndrome, SBBYS type. Last evaluated: 2023-11-10. Review status: criteria provided, single submitter. Criteria: ACMG Guidelines, 2015. Collection method: clinical testing. Allele origin: de novo. Affected: yes.

NM_012330.4(KAT6B):c.5646del (p.Asn1883fs)

Gene: KAT6B (lysine acetyltransferase 6B; plus strand). Cytogenetic location: 10q22.2.
Variant type: Deletion.
Coding change: c.5646del on transcript NM_012330.4 (MANE Select); coding-DNA position 5646, one base deleted (C; older notation c.5646delC).
Protein change: p.Asn1883fs; shifts the reading frame from asparagine 1883.
Molecular consequence: frameshift variant.
Genome position (GRCh38, 1-based): chr10:75,030,470, C deleted; the last of 6 consecutive C bases (chr10:75,030,465-75,030,470); deleting any one gives the same sequence. VCF-style (leftmost placement, unchanged base first): chr10-75030464-AC-A. GRCh37 (hg19) VCF-style: chr10-76790222-AC-A.
Other names: c.5646delC (NM_012330.4); c.5097del, p.Asn1700fs (NM_001256468.2, NM_001370138.1); c.4770del, p.Asn1591fs (NM_001256469.2, NM_001370139.1, NM_001370140.1 and 2 more transcripts); c.4608del, p.Asn1537fs (NM_001370132.1); c.3957del, p.Asn1320fs (NM_001370133.1); c.3561del, p.Asn1188fs (NM_001370134.1); c.3303del, p.Asn1102fs (NM_001370135.1); c.5646del, p.Asn1883fs (NM_001370136.1, NM_001370137.1); and 1 more; short protein forms N1102fs, N1188fs, N1320fs, N1528fs, N1537fs, N1591fs, N1700fs, N1883fs.
Identifiers: ClinVar variation 2628338 (VCV002628338.3), dbSNP rs2549213434, ClinGen allele CA2609745698.
Genomic context (GRCh38, chr10:75,030,464, plus strand): 5'-ACTTTCTCAGTCTCCACACTCCGTCCCTGGGGGACCCCAAGCACAAGCTACCATGACCCC[AC>A]CCCCCAACCTGACTCCTCCTCCAATGAATCTGCCGCCGCCTCTTTTGCAACGGAACATGG-3'